The following is an entry in ClinVar:

ClinVar aggregate classification (germline): Benign/Likely benign. Review status: criteria provided, multiple submitters, no conflicts (2 of 4 stars). 3 submissions from 3 submitters: Benign (1); Likely benign (2). Last evaluated 2025-03-27.

Conditions:
Peutz-Jeghers syndrome (PJS). Also called: POLYPOSIS, HAMARTOMATOUS INTESTINAL; POLYPS-AND-SPOTS SYNDROME; Peutz-Jeghers polyposis; Periorificial lentiginosis syndrome. Identifiers: Orphanet 2869, MedGen C0031269, MeSH D010580, MONDO:0008280, OMIM 175200.
Hereditary cancer-predisposing syndrome. Also called: Tumor predisposition; Hereditary neoplastic syndrome; Neoplastic Syndromes, Hereditary; Hereditary Cancer Syndrome. Identifiers: Orphanet 140162, MedGen C0027672, MeSH D009386, MONDO:0015356.

gnomAD v4.1: 1 of 1,565,346 alleles (0.000064%); no homozygotes.

Submissions (3):

Myriad Genetics, Inc.
Classification: Benign for Peutz-Jeghers syndrome. Last evaluated: 2025-03-27. Review status: criteria provided, single submitter. Criteria: Myriad Autosomal Dominant, Autosomal Recessive and X-Linked Classification Criteria (2023). Collection method: clinical testing. Allele origin: unknown.
Comment: This variant is considered benign. This variant is a silent/synonymous amino acid change and it is not expected to impact splicing.

Ambry Genetics
Classification: Likely benign for Hereditary cancer-predisposing syndrome. Last evaluated: 2023-09-15. Review status: criteria provided, single submitter. Criteria: Ambry Variant Classification Scheme 2023. Collection method: clinical testing. Allele origin: germline.

Color Diagnostics, LLC DBA Color Health
Classification: Likely benign for Hereditary cancer-predisposing syndrome. Last evaluated: 2019-12-11. Review status: criteria provided, single submitter. Criteria: ACMG Guidelines, 2015. Collection method: clinical testing. Allele origin: germline.

NM_000455.5(STK11):c.882G>C (p.Pro294=)

Gene: STK11 (serine/threonine kinase 11; plus strand). Cytogenetic location: 19p13.3.
Variant type: single nucleotide variant.
Coding change: c.882G>C on transcript NM_000455.5 (MANE Select); coding-DNA position 882, G replaced by C.
Protein change: p.Pro294=; no amino-acid change (proline 294 retained).
Molecular consequence: synonymous variant.
Genome position (GRCh38, 1-based): chr19:1,221,968, G>C. VCF-style: chr19-1221968-G-C. GRCh37 (hg19) VCF-style: chr19-1221967-G-C.
Identifiers: ClinVar variation 926174 (VCV000926174.4), dbSNP rs587781178, ClinGen allele CA504707683.